The following is an entry in ClinVar:

ClinVar aggregate classification (germline): Uncertain significance (1 of 4 stars; one submission).

Allele frequency attached by ClinVar (database versions not stated): TOPMed 0.00003.
gnomAD v4.1: 5 of 1,610,280 alleles (0.00031%); highest among the groups gnomAD compares: Non-Finnish European, 0.00042%; no homozygotes.

Submission:

Labcorp Genetics (formerly Invitae), Labcorp
Classification: Uncertain significance. Last evaluated: 2022-07-24. Review status: criteria provided, single submitter. Criteria: Invitae Variant Classification Sherloc (09022015). Collection method: clinical testing. Allele origin: germline.
Comment: In summary, the available evidence is currently insufficient to determine the role of this variant in disease. Therefore, it has been classified as a Variant of Uncertain Significance. Algorithms developed to predict the effect of missense changes on protein structure and function (SIFT, PolyPhen-2, Align-GVGD) all suggest that this variant is likely to be tolerated. This variant has not been reported in the literature in individuals affected with AHDC1-related conditions. This variant is not present in population databases (gnomAD no frequency). This sequence change replaces alanine, which is neutral and non-polar, with valine, which is neutral and non-polar, at codon 1532 of the AHDC1 protein (p.Ala1532Val).

NM_001371928.1(AHDC1):c.4595C>T (p.Ala1532Val)

Gene: AHDC1 (AT-hook DNA binding motif containing 1; minus strand). Cytogenetic location: 1p36.11.
Variant type: single nucleotide variant.
Coding change: c.4595C>T on transcript NM_001371928.1 (MANE Select); coding-DNA position 4595, C replaced by T.
Protein change: p.Ala1532Val; replaces alanine 1532 with valine.
Molecular consequence: missense variant.
Genome position (GRCh38, 1-based): chr1:27,547,521, G>A on the plus strand (C>T on the coding strand, the complement: AHDC1 is on the minus strand). VCF-style: chr1-27547521-G-A. GRCh37 (hg19) VCF-style: chr1-27874032-G-A.
Other names: c.4595C>T, p.Ala1532Val (NM_001029882.3); c.551C>T, p.Ala184Val (NM_015699.1); short protein forms A1532V, A184V.
Identifiers: ClinVar variation 1911977 (VCV001911977.5), dbSNP rs930508757, ClinGen allele CA19871547.